The following is an entry in ClinVar:

NM_000183.3(HADHB):c.209C>G (p.Ser70Ter)

Gene: HADHB (hydroxyacyl-CoA dehydrogenase trifunctional multienzyme complex subunit beta; plus strand). Cytogenetic location: 2p23.3.
Variant type: single nucleotide variant.
Coding change: c.209C>G on transcript NM_000183.3 (MANE Select); coding-DNA position 209, C replaced by G.
Protein change: p.Ser70Ter; replaces serine 70 with a stop codon.
Molecular consequence: nonsense. On other transcripts: missense variant (1).
Genome position (GRCh38, 1-based): chr2:26,263,479, C>G. VCF-style: chr2-26263479-C-G. GRCh37 (hg19) VCF-style: chr2-26486347-C-G.
Other names: c.209C>G, p.Ser70Trp (NM_001281512.2); c.143C>G, p.Ser48Ter (NM_001281513.2); short protein forms S48*, S70*, S70W.
Identifiers: ClinVar variation 2675985 (VCV002675985.4), dbSNP rs996233345, ClinGen allele CA346105212.
Genomic context (GRCh38, chr2:26,263,479, plus strand): 5'-ATATAAGGAATGTTGTGGTGGTGGATGGTGTTCGCACTCCATTTTTGCTGTCTGGCACTT[C>G]GTAAGTATGACATGATCATATTATTTTTTTCCTTCTTTTAAGACACTTTCAAAAGTAGTC-3'

ClinVar aggregate classification (germline): Pathogenic. Review status: criteria provided, multiple submitters, no conflicts (2 of 4 stars). 2 submissions from 2 submitters: Pathogenic (2). Last evaluated 2026-01-09.

Conditions:
Mitochondrial trifunctional protein deficiency. Identifiers: Orphanet 746, MedGen C1969443, MONDO:0012172.

gnomAD v4.1: 2 of 1,548,126 alleles (0.00013%); highest among the groups gnomAD compares: East Asian, 0.0022%; no homozygotes.

Submissions (2):

Labcorp Genetics (formerly Invitae), Labcorp
Classification: Pathogenic for Mitochondrial trifunctional protein deficiency. Last evaluated: 2026-01-09. Review status: criteria provided, single submitter. Criteria: Invitae Variant Classification Sherloc (09022015). Collection method: clinical testing. Allele origin: germline.
Comment: This sequence change creates a premature translational stop signal (p.Ser70*) in the HADHB gene. It is expected to result in an absent or disrupted protein product. Loss-of-function variants in HADHB are known to be pathogenic (PMID: 9259266, 12754706). This variant is present in population databases (no rsID available, gnomAD 0.006%). This variant has not been reported in the literature in individuals affected with HADHB-related conditions. ClinVar contains an entry for this variant (Variation ID: 2675985). For these reasons, this variant has been classified as Pathogenic.

Baylor Genetics
Classification: Pathogenic for Mitochondrial trifunctional protein deficiency 1. Last evaluated: 2023-09-11. Review status: criteria provided, single submitter. Criteria: ACMG Guidelines, 2015. Collection method: clinical testing. Allele origin: unknown.

Literature cited by the submitters: PubMed 9259266 (cited by Labcorp Genetics (formerly Invitae), Labcorp); PubMed 12754706 (cited by Labcorp Genetics (formerly Invitae), Labcorp).